The following is an entry in ClinVar:

NM_001382347.1(MYO5A):c.1201G>A (p.Asp401Asn)

Gene: MYO5A (myosin VA; minus strand). Cytogenetic location: 15q21.2.
Variant type: single nucleotide variant.
Coding change: c.1201G>A on transcript NM_001382347.1 (MANE Select); coding-DNA position 1201, G replaced by A.
Protein change: p.Asp401Asn; replaces aspartic acid 401 with asparagine.
Molecular consequence: missense variant.
Genome position (GRCh38, 1-based): chr15:52,397,319, C>T on the plus strand (G>A on the coding strand, the complement: MYO5A is on the minus strand). VCF-style: chr15-52397319-C-T. GRCh37 (hg19) VCF-style: chr15-52689516-C-T.
Other names: c.1201G>A, p.Asp401Asn (NM_000259.3, NM_001142495.2, NM_001411135.1); c.1273G>A, p.Asp425Asn (NM_001382348.1, NM_001382349.1); short protein forms D401N, D425N.
Identifiers: ClinVar variation 2645360 (VCV002645360.24), dbSNP rs199561289, ClinGen allele CA7569026.

ClinVar aggregate classification (germline): Uncertain significance (1 of 4 stars; one submission).

Allele frequency attached by ClinVar (database versions not stated): TOPMed 0.00004; gnomAD exomes 0.00006; ExAC 0.00002; gnomAD 0.00002; ESP Exome Variant Server 0.00008.
gnomAD v4.1: 98 of 1,613,956 alleles (0.0061%); highest among the groups gnomAD compares: Non-Finnish European, 0.0075%; no homozygotes.

Submission:

CeGaT Center for Human Genetics Tuebingen
Classification: Uncertain significance. Last evaluated: 2023-09-01. Review status: criteria provided, single submitter. Criteria: CeGaT Center For Human Genetics Tuebingen Variant Classification Criteria Version 2. Collection method: clinical testing. Allele origin: germline. Affected: yes. Observed: 1 variant allele.
Comment: MYO5A: PM2